The following is an entry in ClinVar:

NM_000823.4(GHRHR):c.989C>T (p.Ser330Leu)

Gene: GHRHR (growth hormone releasing hormone receptor; plus strand). Cytogenetic location: 7p14.3.
Variant type: single nucleotide variant.
Coding change: c.989C>T on transcript NM_000823.4 (MANE Select); coding-DNA position 989, C replaced by T.
Protein change: p.Ser330Leu; replaces serine 330 with leucine.
Molecular consequence: missense variant.
Genome position (GRCh38, 1-based): chr7:30,976,443, C>T. VCF-style: chr7-30976443-C-T. GRCh37 (hg19) VCF-style: chr7-31016058-C-T.
Other names: short protein forms S330L.
Identifiers: ClinVar variation 2577325 (VCV002577325.1), dbSNP rs752122561, ClinGen allele CA4208756.

ClinVar aggregate classification (germline): Uncertain significance (1 of 4 stars; one submission).

Allele frequency attached by ClinVar (database versions not stated): ExAC 0.00001; gnomAD exomes 0.00001.
gnomAD v4.1: 13 of 1,613,450 alleles (0.00081%); highest among the groups gnomAD compares: East Asian, 0.0022%; no homozygotes.

Submission:

Women's Health and Genetics/Laboratory Corporation of America, LabCorp
Classification: Uncertain significance. Last evaluated: 2023-07-25. Review status: criteria provided, single submitter. Criteria: LabCorp Variant Classification Summary - May 2015. Collection method: clinical testing. Allele origin: germline.
Comment: Variant summary: GHRHR c.989C>T (p.Ser330Leu) results in a non-conservative amino acid change located in the GPCR, family 2-like, 7TM (IPR017981) of the encoded protein sequence. Four of five in-silico tools predict a damaging effect of the variant on protein function. The variant allele was found at a frequency of 4e-06 in 251366 control chromosomes (gnomAD). c.989C>T has been reported in the literature in an individual affected with Isolated growth hormone deficiency (Arman_2014). These data indicate that the variant may be associated with disease. To our knowledge, no experimental evidence demonstrating an impact on protein function has been reported. The following publication has been ascertained in the context of this evaluation (PMID: 25541890). No submitters have cited clinical-significance assessments for this variant to ClinVar after 2014. Based on the evidence outlined above, the variant was classified as VUS-possibly pathogenic.

Literature cited by the submitters: PubMed 25541890.